The following is an entry in ClinVar:

NM_006118.4(HAX1):c.62A>C (p.Asp21Ala)

Gene: HAX1 (HCLS1 associated protein X-1; plus strand). Cytogenetic location: 1q21.3.
Variant type: single nucleotide variant.
Coding change: c.62A>C on transcript NM_006118.4 (MANE Select); coding-DNA position 62, A replaced by C.
Protein change: p.Asp21Ala; replaces aspartic acid 21 with alanine.
Molecular consequence: missense variant. On other transcripts: intron variant (1).
Genome position (GRCh38, 1-based): chr1:154,273,344, A>C. VCF-style: chr1-154273344-A-C. GRCh37 (hg19) VCF-style: chr1-154245820-A-C.
Other names: c.54-136A>C (NM_001018837.2); short protein forms D21A.
Identifiers: ClinVar variation 4269018 (VCV004269018.1).

ClinVar aggregate classification (germline): Uncertain significance (1 of 4 stars; one submission).

Conditions:
Inborn genetic diseases. Identifiers: MedGen C0950123, MeSH D030342.

Submission:

Ambry Genetics
Classification: Uncertain significance for Inborn genetic diseases. Last evaluated: 2025-06-22. Review status: criteria provided, single submitter. Criteria: Ambry Variant Classification Scheme 2023. Collection method: clinical testing. Allele origin: germline.
Comment: The p.D21A variant (also known as c.62A>C), located in coding exon 2 of the HAX1 gene, results from an A to C substitution at nucleotide position 62. The aspartic acid at codon 21 is replaced by alanine, an amino acid with dissimilar properties. This amino acid position is conserved. In addition, the in silico prediction for this alteration is inconclusive. Based on the available evidence, the clinical significance of this variant remains unclear.